The following is an entry in ClinVar:

NM_152274.5(CCNQ):c.27G>T (p.Gly9=)

Genes: CCNQ (cyclin Q; minus strand), LOC130068825 (ATAC-STARR-seq lymphoblastoid silent region 21064; plus strand). Cytogenetic location: Xq28.
Variant type: single nucleotide variant.
Coding change: c.27G>T on transcript NM_152274.5 (MANE Select); coding-DNA position 27, G replaced by T.
Protein change: p.Gly9=; no amino-acid change (glycine 9 retained).
Molecular consequence: synonymous variant.
Genome position (GRCh38, 1-based): chrX:153,599,047, C>A on the plus strand (G>T on the coding strand, the complement: CCNQ is on the minus strand). VCF-style: chrX-153599047-C-A. GRCh37 (hg19) VCF-style: chrX-152864504-C-A.
Other names: c.27G>T, p.Gly9= (NM_001130997.3).
Identifiers: ClinVar variation 3045471 (VCV003045471.1), dbSNP rs782046039, ClinGen allele CA337228335.

ClinVar aggregate classification (germline): Benign (1 of 4 stars; one submission).

Conditions:
CCNQ-related disorder. Also called: CCNQ-related condition.

Allele frequency attached by ClinVar (database versions not stated): gnomAD exomes below 0.00001.
gnomAD v4.1: 1 of 1,067,663 alleles (0.000094%); highest among the groups gnomAD compares: Non-Finnish European, 0.00012%; no homozygotes.

Submission:

PreventionGenetics, part of Exact Sciences
Classification: Benign for CCNQ-related condition. Last evaluated: 2023-06-15. Review status: criteria provided, single submitter. Criteria: ACMG Guidelines, 2015. Collection method: clinical testing. Allele origin: germline.
Comment: This variant is classified as benign based on ACMG/AMP sequence variant interpretation guidelines (Richards et al. 2015 PMID: 25741868, with internal and published modifications).